The following is an entry in ClinVar:

NM_000540.3(RYR1):c.13832G>C (p.Gly4611Ala)

Gene: RYR1 (ryanodine receptor 1; plus strand). Cytogenetic location: 19q13.2.
Variant type: single nucleotide variant.
Coding change: c.13832G>C on transcript NM_000540.3 (MANE Select); coding-DNA position 13832, G replaced by C.
Protein change: p.Gly4611Ala; replaces glycine 4611 with alanine.
Molecular consequence: missense variant.
Genome position (GRCh38, 1-based): chr19:38,572,104, G>C. VCF-style: chr19-38572104-G-C. GRCh37 (hg19) VCF-style: chr19-39062744-G-C.
Other names: c.13817G>C, p.Gly4606Ala (NM_001042723.2); short protein forms G4611A, G4606A.
Identifiers: ClinVar variation 2999232 (VCV002999232.3), dbSNP rs2145869746, ClinGen allele CA405680514.

ClinVar aggregate classification (germline): Uncertain significance (1 of 4 stars; one submission).

Conditions:
RYR1-related disorder. Also called: RYR1-related condition; RYR1-related disorders. Identifiers: MedGen CN239331.

Submission:

Labcorp Genetics (formerly Invitae), Labcorp
Classification: Uncertain significance for RYR1-related disorder. Last evaluated: 2023-03-27. Review status: criteria provided, single submitter. Criteria: Invitae Variant Classification Sherloc (09022015). Collection method: clinical testing. Allele origin: germline.
Comment: This sequence change replaces glycine, which is neutral and non-polar, with alanine, which is neutral and non-polar, at codon 4611 of the RYR1 protein (p.Gly4611Ala). This variant is not present in population databases (gnomAD no frequency). This variant has not been reported in the literature in individuals affected with RYR1-related conditions. Advanced modeling of protein sequence and biophysical properties (such as structural, functional, and spatial information, amino acid conservation, physicochemical variation, residue mobility, and thermodynamic stability) has been performed at Invitae for this missense variant, however the output from this modeling did not meet the statistical confidence thresholds required to predict the impact of this variant on RYR1 protein function. In summary, the available evidence is currently insufficient to determine the role of this variant in disease. Therefore, it has been classified as a Variant of Uncertain Significance.